The following is an entry in ClinVar:

NM_000852.4(GSTP1):c.341C>T (p.Ala114Val)

Gene: GSTP1 (glutathione S-transferase pi 1; plus strand). Cytogenetic location: 11q13.2.
Variant type: single nucleotide variant.
Coding change: c.341C>T on transcript NM_000852.4 (MANE Select); coding-DNA position 341, C replaced by T.
Protein change: p.Ala114Val; replaces alanine 114 with valine.
Molecular consequence: missense variant.
Genome position (GRCh38, 1-based): chr11:67,586,108, C>T. VCF-style: chr11-67586108-C-T. GRCh37 (hg19) VCF-style: chr11-67353579-C-T.
Other names: NC_000011.9:g.67353579C>T; short protein forms A114V.
Identifiers: ClinVar variation 1264275 (VCV001264275.31), dbSNP rs1138272, ClinGen allele CA6142820.
Genomic context (GRCh38, chr11:67,586,108, plus strand): 5'-GTGTCTCAGGGGCTGGGAGGGATGAGAGTAGGATGATACATGGTGGTGTCTGGCAGGAGG[C>T]GGGCAAGGATGACTATGTGAAGGCACTGCCCGGGCAACTGAAGCCTTTTGAGACCCTGCT-3'
Protein context (NP_000843.1, residues 104-124): YISLIYTNYE[Ala114Val]GKDDYVKALP

ClinVar aggregate classification (germline): Benign. Review status: criteria provided, multiple submitters, no conflicts (2 of 4 stars). 3 submissions from 3 submitters: Benign (2). 1 of the submissions does not count toward it. Last evaluated 2021-06-09.

Conditions:
Pulmonary disease, chronic obstructive, susceptibility to. Identifiers: MedGen C3838076, MONDO:0100167.

Allele frequency attached by ClinVar (database versions not stated): gnomAD exomes 0.07658 and 0.05926; 1000 Genomes Project 0.03355; TOPMed 0.04847; gnomAD 0.05488 and 0.05468; ESP Exome Variant Server 0.06014; ExAC 0.06153; 1000 Genomes Project 30x 0.03404.

Submissions 1 to 32 of 62:

GeneDx
Classification: Benign. Last evaluated: 2021-06-09. Review status: criteria provided, single submitter. Criteria: GeneDx Variant Classification Process June 2021. Collection method: clinical testing. Allele origin: germline. Affected: yes.
Comment: This variant is associated with the following publications: (PMID: 10780269, 23142420, 23437223, 9299520, 9092542)

Breakthrough Genomics
Classification: Benign. Review status: criteria provided, single submitter. Criteria: ACMG Guidelines, 2015. Collection method: not provided. Allele origin: germline. Inheritance: Unknown mechanism. Affected: yes.

Pneumogenomics Laboratory, Instituto Nacional de Enfermedades Respiratorias Ismael Cosio Villegas
Classification: association for Susceptibility to chronic obstructive pulmonary disease. Last evaluated: 2022-07-05. Review status: no assertion criteria provided. Collection method: research. Allele origin: germline. Affected: yes. Not counted in ClinVar's aggregate classification.

Dr. Peter K. Rogan Lab, Western University
No classification provided (evidence only). Condition: Colon adenocarcinoma. Review status: no classification provided. Collection method: in vitro. Allele origin: not applicable. Functional consequence: skipped exon. Not counted in ClinVar's aggregate classification.

Dr. Peter K. Rogan Lab, Western University
No classification provided (evidence only). Condition: Colon adenocarcinoma. Review status: no classification provided. Collection method: in vitro. Allele origin: not applicable. Functional consequence: skipped exon. Not counted in ClinVar's aggregate classification.

Dr. Peter K. Rogan Lab, Western University
No classification provided (evidence only). Condition: Colon adenocarcinoma. Review status: no classification provided. Collection method: in vitro. Allele origin: not applicable. Functional consequence: skipped exon. Not counted in ClinVar's aggregate classification.

Dr. Peter K. Rogan Lab, Western University
No classification provided (evidence only). Condition: Colon adenocarcinoma. Review status: no classification provided. Collection method: in vitro. Allele origin: not applicable. Functional consequence: skipped exon. Not counted in ClinVar's aggregate classification.

Dr. Peter K. Rogan Lab, Western University
No classification provided (evidence only). Condition: Colon adenocarcinoma. Review status: no classification provided. Collection method: in vitro. Allele origin: not applicable. Functional consequence: skipped exon. Not counted in ClinVar's aggregate classification.

Dr. Peter K. Rogan Lab, Western University
No classification provided (evidence only). Condition: Colon adenocarcinoma. Review status: no classification provided. Collection method: in vitro. Allele origin: not applicable. Functional consequence: skipped exon. Not counted in ClinVar's aggregate classification.

Dr. Peter K. Rogan Lab, Western University
No classification provided (evidence only). Condition: Colon adenocarcinoma. Review status: no classification provided. Collection method: in vitro. Allele origin: not applicable. Functional consequence: skipped exon. Not counted in ClinVar's aggregate classification.

Dr. Peter K. Rogan Lab, Western University
No classification provided (evidence only). Condition: Colon adenocarcinoma. Review status: no classification provided. Collection method: in vitro. Allele origin: not applicable. Functional consequence: skipped exon. Not counted in ClinVar's aggregate classification.

Dr. Peter K. Rogan Lab, Western University
No classification provided (evidence only). Condition: Colon adenocarcinoma. Review status: no classification provided. Collection method: in vitro. Allele origin: not applicable. Functional consequence: skipped exon. Not counted in ClinVar's aggregate classification.

Dr. Peter K. Rogan Lab, Western University
No classification provided (evidence only). Condition: Colon adenocarcinoma. Review status: no classification provided. Collection method: in vitro. Allele origin: not applicable. Functional consequence: skipped exon. Not counted in ClinVar's aggregate classification.

Dr. Peter K. Rogan Lab, Western University
No classification provided (evidence only). Condition: Colorectal cancer. Review status: no classification provided. Collection method: in vitro. Allele origin: not applicable. Functional consequence: skipped exon. Not counted in ClinVar's aggregate classification.

Dr. Peter K. Rogan Lab, Western University
No classification provided (evidence only). Condition: Colorectal cancer. Review status: no classification provided. Collection method: in vitro. Allele origin: not applicable. Functional consequence: skipped exon. Not counted in ClinVar's aggregate classification.

Dr. Peter K. Rogan Lab, Western University
No classification provided (evidence only). Condition: Colorectal cancer. Review status: no classification provided. Collection method: in vitro. Allele origin: not applicable. Functional consequence: skipped exon, retained intron. Not counted in ClinVar's aggregate classification.

Dr. Peter K. Rogan Lab, Western University
No classification provided (evidence only). Condition: Colorectal cancer. Review status: no classification provided. Collection method: in vitro. Allele origin: not applicable. Functional consequence: skipped exon. Not counted in ClinVar's aggregate classification.

Dr. Peter K. Rogan Lab, Western University
No classification provided (evidence only). Condition: Colorectal cancer. Review status: no classification provided. Collection method: in vitro. Allele origin: not applicable. Functional consequence: skipped exon. Not counted in ClinVar's aggregate classification.

Dr. Peter K. Rogan Lab, Western University
No classification provided (evidence only). Condition: Colorectal cancer. Review status: no classification provided. Collection method: in vitro. Allele origin: not applicable. Functional consequence: skipped exon. Not counted in ClinVar's aggregate classification.

Dr. Peter K. Rogan Lab, Western University
No classification provided (evidence only). Condition: Colorectal cancer. Review status: no classification provided. Collection method: in vitro. Allele origin: not applicable. Functional consequence: skipped exon. Not counted in ClinVar's aggregate classification.

Dr. Peter K. Rogan Lab, Western University
No classification provided (evidence only). Condition: Colorectal cancer. Review status: no classification provided. Collection method: in vitro. Allele origin: not applicable. Functional consequence: skipped exon. Not counted in ClinVar's aggregate classification.

Dr. Peter K. Rogan Lab, Western University
No classification provided (evidence only). Condition: Colorectal cancer. Review status: no classification provided. Collection method: in vitro. Allele origin: not applicable. Functional consequence: skipped exon. Not counted in ClinVar's aggregate classification.

Dr. Peter K. Rogan Lab, Western University
No classification provided (evidence only). Condition: Colorectal cancer. Review status: no classification provided. Collection method: in vitro. Allele origin: not applicable. Functional consequence: skipped exon, retained intron. Not counted in ClinVar's aggregate classification.

Dr. Peter K. Rogan Lab, Western University
No classification provided (evidence only). Condition: Colorectal cancer. Review status: no classification provided. Collection method: in vitro. Allele origin: not applicable. Functional consequence: skipped exon. Not counted in ClinVar's aggregate classification.

Dr. Peter K. Rogan Lab, Western University
No classification provided (evidence only). Condition: Malignant lymphoma, large B-cell, diffuse. Review status: no classification provided. Collection method: in vitro. Allele origin: not applicable. Functional consequence: skipped exon. Not counted in ClinVar's aggregate classification.

Dr. Peter K. Rogan Lab, Western University
No classification provided (evidence only). Condition: Malignant lymphoma, large B-cell, diffuse. Review status: no classification provided. Collection method: in vitro. Allele origin: not applicable. Functional consequence: skipped exon. Not counted in ClinVar's aggregate classification.

Dr. Peter K. Rogan Lab, Western University
No classification provided (evidence only). Condition: Malignant lymphoma, large B-cell, diffuse. Review status: no classification provided. Collection method: in vitro. Allele origin: not applicable. Functional consequence: skipped exon, retained intron. Not counted in ClinVar's aggregate classification.

Dr. Peter K. Rogan Lab, Western University
No classification provided (evidence only). Condition: Nonpapillary renal cell carcinoma. Review status: no classification provided. Collection method: in vitro. Allele origin: not applicable. Functional consequence: skipped exon. Not counted in ClinVar's aggregate classification.

Dr. Peter K. Rogan Lab, Western University
No classification provided (evidence only). Condition: Nonpapillary renal cell carcinoma. Review status: no classification provided. Collection method: in vitro. Allele origin: not applicable. Functional consequence: skipped exon. Not counted in ClinVar's aggregate classification.

Dr. Peter K. Rogan Lab, Western University
No classification provided (evidence only). Condition: Nonpapillary renal cell carcinoma. Review status: no classification provided. Collection method: in vitro. Allele origin: not applicable. Functional consequence: skipped exon. Not counted in ClinVar's aggregate classification.

Dr. Peter K. Rogan Lab, Western University
No classification provided (evidence only). Condition: Nonpapillary renal cell carcinoma. Review status: no classification provided. Collection method: in vitro. Allele origin: not applicable. Functional consequence: skipped exon, retained intron. Not counted in ClinVar's aggregate classification.

Dr. Peter K. Rogan Lab, Western University
No classification provided (evidence only). Condition: Nonpapillary renal cell carcinoma. Review status: no classification provided. Collection method: in vitro. Allele origin: not applicable. Functional consequence: retained intron. Not counted in ClinVar's aggregate classification.